The following is an entry in ClinVar:

ClinVar aggregate classification (germline): Uncertain significance. Review status: criteria provided, multiple submitters, no conflicts (2 of 4 stars). 2 submissions from 2 submitters: Uncertain significance (2). Last evaluated 2019-06-28.

Conditions:
Charcot-Marie-Tooth disease, type I (CMT1). Also called: Charcot-Marie-Tooth, Type 1; Charcot-Marie-Tooth disease type 1. Identifiers: Orphanet 65753, MedGen C0751036, MONDO:0019011.

gnomAD v4.1: 2 of 1,613,900 alleles (0.00012%); highest among the groups gnomAD compares: Non-Finnish European, 0.000085%; no homozygotes.

Submissions (2):

GeneDx
Classification: Uncertain significance. Last evaluated: 2019-06-28. Review status: criteria provided, single submitter. Criteria: GeneDx Variant Classification Process June 2021. Collection method: clinical testing. Allele origin: germline. Affected: yes.
Comment: In silico analysis, which includes protein predictors and evolutionary conservation, supports that this variant does not alter protein structure/function; Has not been previously published as pathogenic or benign to our knowledge

Labcorp Genetics (formerly Invitae), Labcorp
Classification: Uncertain significance for Charcot-Marie-Tooth disease, type I. Last evaluated: 2017-07-27. Review status: criteria provided, single submitter. Criteria: Invitae Variant Classification Sherloc (09022015). Collection method: clinical testing. Allele origin: germline.
Comment: In summary, the available evidence is currently insufficient to determine the role of this variant in disease. Therefore, it has been classified as a Variant of Uncertain Significance. Algorithms developed to predict the effect of missense changes on protein structure and function (SIFT, PolyPhen-2, Align-GVGD) all suggest that this variant is likely to be tolerated, but these predictions have not been confirmed by published functional studies and their clinical significance is uncertain. This variant has not been reported in the literature in individuals with EGR2-related disease. This variant is present in population databases (rs761862879, ExAC 0.002%). This sequence change replaces serine with asparagine at codon 277 of the EGR2 protein (p.Ser277Asn). The serine residue is weakly conserved and there is a small physicochemical difference between serine and asparagine.

NM_000399.5(EGR2):c.830G>A (p.Ser277Asn)

Gene: EGR2 (early growth response 2; minus strand). Cytogenetic location: 10q21.3.
Variant type: single nucleotide variant.
Coding change: c.830G>A on transcript NM_000399.5 (MANE Select); coding-DNA position 830, G replaced by A.
Protein change: p.Ser277Asn; replaces serine 277 with asparagine.
Molecular consequence: missense variant.
Genome position (GRCh38, 1-based): chr10:62,813,808, C>T on the plus strand (G>A on the coding strand, the complement: EGR2 is on the minus strand). VCF-style: chr10-62813808-C-T. GRCh37 (hg19) VCF-style: chr10-64573568-C-T.
Other names: c.830G>A, p.Ser277Asn (NM_001136177.3, NM_001136178.2); c.680G>A, p.Ser227Asn (NM_001136179.3, NM_001321037.2); short protein forms S277N, S227N.
Identifiers: ClinVar variation 462787 (VCV000462787.10), dbSNP rs761862879, ClinGen allele CA5517217.